The following is an entry in ClinVar:

ClinVar aggregate classification (germline): Conflicting classifications of pathogenicity. Review status: criteria provided, conflicting classifications (1 of 4 stars). 3 submissions from 3 submitters: Uncertain significance (1); Likely benign (2). Last evaluated 2026-05-01.

Conditions:
Deficiency of ribose-5-phosphate isomerase. Also called: Ribose-5-P isomerase deficiency. Identifiers: Orphanet 440706, MedGen C1291609, MONDO:0012073, OMIM 608611.

Allele frequency attached by ClinVar (database versions not stated): ESP Exome Variant Server 0.00008; gnomAD exomes 0.00009 and 0.00010; gnomAD 0.00011; TOPMed 0.00011; ExAC 0.00016.
gnomAD v4.1: 152 of 1,613,854 alleles (0.0094%); highest among the groups gnomAD compares: Middle Eastern, 0.016%; no homozygotes.

Submissions (3):

CeGaT Center for Human Genetics Tuebingen
Classification: Likely benign. Last evaluated: 2026-05-01. Review status: criteria provided, single submitter. Criteria: CeGaT Center For Human Genetics Tuebingen Variant Classification Criteria Version 2. Collection method: clinical testing. Allele origin: germline. Affected: yes. Observed: 2 variant alleles.
Comment: RPIA: BP4, BP7

Labcorp Genetics (formerly Invitae), Labcorp
Classification: Likely benign. Last evaluated: 2025-11-24. Review status: criteria provided, single submitter. Criteria: Invitae Variant Classification Sherloc (09022015). Collection method: clinical testing. Allele origin: germline.

Illumina Laboratory Services, Illumina
Classification: Uncertain significance for Deficiency of ribose-5-phosphate isomerase. Last evaluated: 2018-01-12. Review status: criteria provided, single submitter. Criteria: ICSL Variant Classification Criteria 13 December 2019. Collection method: clinical testing. Allele origin: germline.

NM_144563.3(RPIA):c.789C>T (p.Asp263=)

Gene: RPIA (ribose 5-phosphate isomerase A; plus strand). Cytogenetic location: 2p11.2.
Variant type: single nucleotide variant.
Coding change: c.789C>T on transcript NM_144563.3 (MANE Select); coding-DNA position 789, C replaced by T.
Protein change: p.Asp263=; no amino-acid change (aspartic acid 263 retained).
Molecular consequence: synonymous variant.
Genome position (GRCh38, 1-based): chr2:88,738,027, C>T. VCF-style: chr2-88738027-C-T. GRCh37 (hg19) VCF-style: chr2-89037544-C-T.
Identifiers: ClinVar variation 898709 (VCV000898709.16), dbSNP rs368582524, ClinGen allele CA1755334.
Genomic context (GRCh38, chr2:88,738,027, plus strand): 5'-TATCTTCTAGGGTCCTGTGGTGACAGATAATGGGAATTTTATCTTGGACTGGAAGTTTGA[C>T]CGGGTACACAAATGGAGTGAAGTGAATACAGCTATCAAAATGATCCCAGGTAACATGAGT-3'
Protein context (NP_653164.2, residues 253-273): NGNFILDWKF[Asp263=]RVHKWSEVNT